The following is an entry in ClinVar:

ClinVar aggregate classification (germline): Uncertain significance (1 of 4 stars; one submission).

Conditions:
Dyskeratosis congenita. Identifiers: Orphanet 1775, MedGen C0265965, MONDO:0015780.

Submission:

Ambry Genetics
Classification: Uncertain significance for Dyskeratosis congenita. Last evaluated: 2025-03-12. Review status: criteria provided, single submitter. Criteria: Ambry Variant Classification Scheme 2023. Collection method: clinical testing. Allele origin: germline.
Comment: The p.G641E variant (also known as c.1922G>A), located in coding exon 4 of the TERT gene, results from a G to A substitution at nucleotide position 1922. The glycine at codon 641 is replaced by glutamic acid, an amino acid with similar properties. This amino acid position is conserved. In addition, the in silico prediction for this alteration is inconclusive. Based on the available evidence, the clinical significance of this variant remains unclear.

NM_198253.3(TERT):c.1922G>A (p.Gly641Glu)

Gene: TERT (telomerase reverse transcriptase; minus strand). Cytogenetic location: 5p15.33.
Variant type: single nucleotide variant.
Coding change: c.1922G>A on transcript NM_198253.3 (MANE Select); coding-DNA position 1922, G replaced by A.
Protein change: p.Gly641Glu; replaces glycine 641 with glutamic acid.
Molecular consequence: missense variant. On other transcripts: non-coding transcript variant (2).
Genome position (GRCh38, 1-based): chr5:1,280,186, C>T on the plus strand (G>A on the coding strand, the complement: TERT is on the minus strand). VCF-style: chr5-1280186-C-T. GRCh37 (hg19) VCF-style: chr5-1280301-C-T.
Other names: c.1922G>A, p.Gly641Glu (NM_001193376.3); short protein forms G641E.
Identifiers: ClinVar variation 3805806 (VCV003805806.1).
Genomic context (GRCh38, chr5:1,280,186, plus strand): 5'-TTAAAAAGGAAGTTAAACCAAAGCACAGCCACCCTCTTTTCTCTGCGGAACGTTCTGGCT[C>T]CCACGACGTAGTCCATGTTCACAATCGGCCGCAGCCCGTCAGGCTTGGGGATGAAGCGGA-3'
Protein context (NP_937983.2, residues 631-651): RPIVNMDYVV[Gly641Glu]ARTFRREKRA